The following is an entry in ClinVar:

ClinVar aggregate classification (germline): Uncertain significance (1 of 4 stars; one submission).

Allele frequency attached by ClinVar (database versions not stated): ExAC 0.00001; gnomAD 0.00001; 1000 Genomes Project 30x 0.00016; 1000 Genomes Project 0.00020.

Submission:

Ambry Genetics
Classification: Uncertain significance. Last evaluated: 2024-06-10. Review status: criteria provided, single submitter. Criteria: Ambry Variant Classification Scheme 2023. Collection method: clinical testing. Allele origin: germline.
Comment: The p.V390I variant (also known as c.1168G>A), located in coding exon 3 of the TERF2IP gene, results from a G to A substitution at nucleotide position 1168. The valine at codon 390 is replaced by isoleucine, an amino acid with highly similar properties. This amino acid position is conserved. In addition, this alteration is predicted to be tolerated by in silico analysis. Since supporting evidence is limited at this time, the clinical significance of this alteration remains unclear.

NM_018975.4(TERF2IP):c.1168G>A (p.Val390Ile)

Gene: TERF2IP (TERF2 interacting protein; plus strand). Cytogenetic location: 16q23.1.
Variant type: single nucleotide variant.
Coding change: c.1168G>A on transcript NM_018975.4 (MANE Select); coding-DNA position 1168, G replaced by A.
Protein change: p.Val390Ile; replaces valine 390 with isoleucine.
Molecular consequence: missense variant. On other transcripts: non-coding transcript variant (1).
Genome position (GRCh38, 1-based): chr16:75,656,579, G>A. VCF-style: chr16-75656579-G-A. GRCh37 (hg19) VCF-style: chr16-75690477-G-A.
Other names: short protein forms V390I.
Identifiers: ClinVar variation 1738761 (VCV001738761.3), dbSNP rs578140111, ClinGen allele CA8178178.